The following is an entry in ClinVar:

ClinVar aggregate classification (germline): Likely benign. Review status: criteria provided, multiple submitters, no conflicts (2 of 4 stars). 3 submissions from 3 submitters: Likely benign (2). 1 of the submissions does not count toward it. Last evaluated 2026-01-01.

Conditions:
MED13-related disorder. Also called: MED13-related condition.
Inborn genetic diseases. Identifiers: MedGen C0950123, MeSH D030342.

Allele frequency attached by ClinVar (database versions not stated): TOPMed 0.00009; gnomAD exomes 0.00010; ExAC 0.00014; gnomAD 0.00026.
gnomAD v4.1: 186 of 1,614,080 alleles (0.012%); highest among the groups gnomAD compares: Middle Eastern, 0.033%; no homozygotes.

Submissions (3):

CeGaT Center for Human Genetics Tuebingen
Classification: Likely benign. Last evaluated: 2026-01-01. Review status: criteria provided, single submitter. Criteria: CeGaT Center For Human Genetics Tuebingen Variant Classification Criteria Version 2. Collection method: clinical testing. Allele origin: germline. Affected: yes. Observed: 3 variant alleles.
Comment: MED13: BP4

Ambry Genetics
Classification: Likely benign for Inborn genetic diseases. Last evaluated: 2025-09-21. Review status: criteria provided, single submitter. Criteria: Ambry Variant Classification Scheme 2023. Collection method: clinical testing. Allele origin: germline.

PreventionGenetics, part of Exact Sciences
Classification: Likely benign for MED13-related condition. Last evaluated: 2023-05-21. Review status: no assertion criteria provided. Collection method: clinical testing. Allele origin: germline. Not counted in ClinVar's aggregate classification.
Comment: This variant is classified as likely benign based on ACMG/AMP sequence variant interpretation guidelines (Richards et al. 2015 PMID: 25741868, with internal and published modifications).

NM_005121.3(MED13):c.3344C>T (p.Thr1115Met)

Gene: MED13 (mediator complex subunit 13; minus strand). Cytogenetic location: 17q23.2.
Variant type: single nucleotide variant.
Coding change: c.3344C>T on transcript NM_005121.3 (MANE Select); coding-DNA position 3344, C replaced by T.
Protein change: p.Thr1115Met; replaces threonine 1115 with methionine.
Molecular consequence: missense variant.
Genome position (GRCh38, 1-based): chr17:61,982,659, G>A on the plus strand (C>T on the coding strand, the complement: MED13 is on the minus strand). VCF-style: chr17-61982659-G-A. GRCh37 (hg19) VCF-style: chr17-60060020-G-A.
Other names: short protein forms T1115M.
Identifiers: ClinVar variation 3031434 (VCV003031434.16), dbSNP rs201205350, ClinGen allele CA8692675.
Genomic context (GRCh38, chr17:61,982,659, plus strand): 5'-CCAAATTTTCTGTTCATGACAGCACTGAAGCCACAGGTACACCTATATTGTGCTTCCTGC[G>A]TTGGATCTGGAATGTAAACTCCAACATCGGCACCCTTGATGTTCATGTTGCAAACACAGA-3'
Protein context (NP_005112.2, residues 1105-1125): ADVGVYIPDP[Thr1115Met]QEAQYRCTCG